The following is an entry in ClinVar:

NM_001144967.3(NEDD4L):c.860T>C (p.Leu287Pro)

Gene: NEDD4L (NEDD4 like E3 ubiquitin protein ligase; plus strand). Cytogenetic location: 18q21.31.
Variant type: single nucleotide variant.
Coding change: c.860T>C on transcript NM_001144967.3 (MANE Select); coding-DNA position 860, T replaced by C.
Protein change: p.Leu287Pro; replaces leucine 287 with proline.
Molecular consequence: missense variant.
Genome position (GRCh38, 1-based): chr18:58,330,784, T>C. VCF-style: chr18-58330784-T-C. GRCh37 (hg19) VCF-style: chr18-55998016-T-C.
Other names: c.497T>C, p.Leu166Pro (NM_001144964.1, NM_001144965.2, NM_001144966.3 and 2 more transcripts); c.836T>C, p.Leu279Pro (NM_001144968.2, NM_001144969.2); c.860T>C, p.Leu287Pro (NM_001243960.2, NM_015277.6); c.860T>C (NM_015277.5); short protein forms L166P, L279P, L287P.
Identifiers: ClinVar variation 1614076 (VCV001614076.9), dbSNP rs2059726758, ClinGen allele CA402555502.
Genomic context (GRCh38, chr18:58,330,784, plus strand): 5'-TCCTTCTCTGAAAGCCTTGGGAGACCATTTCAGAGGAAGTGAATATCGCTGGAGACTCTC[T>C]CGGTCTGGCTCTGCCCCCACCACCGGCCTCCCCAGGATCTCGGACCAGCCCTCAGGAGCT-3'
Protein context (NP_001138439.1, residues 277-297): SEEVNIAGDS[Leu287Pro]GLALPPPPAS

ClinVar aggregate classification (germline): Conflicting classifications of pathogenicity. Review status: criteria provided, conflicting classifications (1 of 4 stars). 2 submissions from 2 submitters: Uncertain significance (1); Likely benign (1). Last evaluated 2024-01-04.

Allele frequency attached by ClinVar (database versions not stated): TOPMed below 0.00001; gnomAD 0.00001.
gnomAD v4.1: 2 of 1,612,594 alleles (0.00012%); highest among the groups gnomAD compares: African/African-American, 0.0013%; no homozygotes.

Submissions (2):

GeneDx
Classification: Uncertain significance. Last evaluated: 2024-01-04. Review status: criteria provided, single submitter. Criteria: GeneDx Variant Classification Process June 2021. Collection method: clinical testing. Allele origin: germline. Affected: yes.
Comment: Not observed at significant frequency in large population cohorts (gnomAD); In silico analysis supports that this missense variant does not alter protein structure/function; Has not been previously published as pathogenic or benign to our knowledge

Labcorp Genetics (formerly Invitae), Labcorp
Classification: Likely benign. Last evaluated: 2022-09-07. Review status: criteria provided, single submitter. Criteria: Invitae Variant Classification Sherloc (09022015). Collection method: clinical testing. Allele origin: germline.